The following is an entry in ClinVar:

NM_007078.3(LDB3):c.1445C>T (p.Ala482Val)

Gene: LDB3 (LIM domain binding 3; plus strand). Cytogenetic location: 10q23.2.
Variant type: single nucleotide variant.
Coding change: c.1445C>T on transcript NM_007078.3 (MANE Select); coding-DNA position 1445, C replaced by T.
Protein change: p.Ala482Val; replaces alanine 482 with valine.
Molecular consequence: missense variant.
Genome position (GRCh38, 1-based): chr10:86,716,540, C>T. VCF-style: chr10-86716540-C-T. GRCh37 (hg19) VCF-style: chr10-88476297-C-T.
Other names: c.1445C>T (LRG_385t1); c.1115C>T, p.Ala372Val (NM_001080114.2); c.1460C>T, p.Ala487Val (NM_001171610.2); c.1256C>T, p.Ala419Val (NM_001368064.1, NM_001368065.1); c.1304C>T, p.Ala435Val (NM_001368066.1); short protein forms A482V, A419V, A435V, A372V, A487V.
Identifiers: ClinVar variation 406802 (VCV000406802.14), dbSNP rs774313535, ClinGen allele CA5585164.
Genomic context (GRCh38, chr10:86,716,540, plus strand): 5'-CCCCCTCACCTGCCCCCAACTATAACCCTGCACCCTCGGTGGCCTACAGCGGGGGCCCTG[C>T]GGAGCCTGCCAGCCGTCCACCCTGGGTGACAGATGATAGCTTCTCCCAGAAGTTTGCCCC-3'
Protein context (NP_009009.1, residues 472-492): APSVAYSGGP[Ala482Val]EPASRPPWVT

ClinVar aggregate classification (germline): Conflicting classifications of pathogenicity. Review status: criteria provided, conflicting classifications (1 of 4 stars). 3 submissions from 3 submitters: Uncertain significance (1); Likely benign (2). Last evaluated 2026-01-12.

Conditions:
Cardiovascular phenotype. Identifiers: MedGen CN230736.
Myofibrillar myopathy 4. Also called: Zaspopathy (type). Identifiers: Orphanet 98912, MedGen C4721886, MONDO:0012277, OMIM 609452.

Allele frequency attached by ClinVar (database versions not stated): ExAC 0.00002; TOPMed 0.00006.
gnomAD v4.1: 33 of 1,613,280 alleles (0.002%); highest among the groups gnomAD compares: African/African-American, 0.017%; no homozygotes.

Submissions (3):

Labcorp Genetics (formerly Invitae), Labcorp
Classification: Uncertain significance for Myofibrillar myopathy 4. Last evaluated: 2026-01-12. Review status: criteria provided, single submitter. Criteria: Invitae Variant Classification Sherloc (09022015). Collection method: clinical testing. Allele origin: germline.
Comment: The LDB3 gene has multiple clinically relevant transcripts. This variant occurs in alternate transcript NM_007078.3, and corresponds to NM_001080116.1:c.*17166C>T in the primary transcript. This sequence change replaces alanine, which is neutral and non-polar, with valine, which is neutral and non-polar, at codon 482 of the LDB3 protein (p.Ala482Val). This variant is present in population databases (rs774313535, gnomAD 0.02%). This variant has not been reported in the literature in individuals affected with LDB3-related conditions. ClinVar contains an entry for this variant (Variation ID: 406802). An algorithm developed to predict the effect of missense changes on protein structure and function outputs the following: PolyPhen-2: "Not Available". The valine amino acid residue is found in multiple mammalian species, which suggests that this missense change does not adversely affect protein function. In summary, the available evidence is currently insufficient to determine the role of this variant in disease. Therefore, it has been classified as a Variant of Uncertain Significance.

Ambry Genetics
Classification: Likely benign for Cardiovascular phenotype. Last evaluated: 2024-03-12. Review status: criteria provided, single submitter. Criteria: Ambry Variant Classification Scheme 2023. Collection method: clinical testing. Allele origin: germline.

GeneDx
Classification: Likely benign. Last evaluated: 2021-04-06. Review status: criteria provided, single submitter. Criteria: GeneDx Variant Classification Process June 2021. Collection method: clinical testing. Allele origin: germline. Affected: yes.
Comment: Not reported in association with a cardiac phenotype to our knowledge; In-silico analyses, including protein predictors and evolutionary conservation, support that this variant does not alter protein structure/function; Reported in ClinVar as a variant of uncertain significance but additional evidence is not available (ClinVar Variant ID 406802; Landrum et al., 2016); This variant is associated with the following publications: (PMID: 25344691)